The following is an entry in ClinVar:

NM_001012339.3(DNAJC21):c.124G>A (p.Ala42Thr)

Gene: DNAJC21 (DnaJ heat shock protein family (Hsp40) member C21; plus strand). Cytogenetic location: 5p13.2.
Variant type: single nucleotide variant.
Coding change: c.124G>A on transcript NM_001012339.3 (MANE Select); coding-DNA position 124, G replaced by A.
Protein change: p.Ala42Thr; replaces alanine 42 with threonine.
Molecular consequence: missense variant.
Genome position (GRCh38, 1-based): chr5:34,933,841, G>A. VCF-style: chr5-34933841-G-A. GRCh37 (hg19) VCF-style: chr5-34933946-G-A.
Other names: c.124G>A, p.Ala42Thr (NM_001348420.2, NM_194283.4); short protein forms A42T.
Identifiers: ClinVar variation 4709347 (VCV004709347.1).

ClinVar aggregate classification (germline): Uncertain significance (1 of 4 stars; one submission).

Submission:

Labcorp Genetics (formerly Invitae), Labcorp
Classification: Uncertain significance. Last evaluated: 2026-01-26. Review status: criteria provided, single submitter. Criteria: Invitae Variant Classification Sherloc (09022015). Collection method: clinical testing. Allele origin: germline.
Comment: This sequence change replaces alanine, which is neutral and non-polar, with threonine, which is neutral and polar, at codon 42 of the DNAJC21 protein (p.Ala42Thr). This variant is present in population databases (rs143901157, gnomAD 0.007%). This variant has not been reported in the literature in individuals affected with DNAJC21-related conditions. An algorithm developed to predict the effect of missense changes on protein structure and function (PolyPhen-2) suggests that this variant is likely to be disruptive. In summary, the available evidence is currently insufficient to determine the role of this variant in disease. Therefore, it has been classified as a Variant of Uncertain Significance.